The following is an entry in ClinVar:

NM_000016.6(ACADM):c.609A>T (p.Leu203Phe)

Gene: ACADM (acyl-CoA dehydrogenase medium chain; plus strand). Cytogenetic location: 1p31.1.
Variant type: single nucleotide variant.
Coding change: c.609A>T on transcript NM_000016.6 (MANE Select); coding-DNA position 609, A replaced by T.
Protein change: p.Leu203Phe; replaces leucine 203 with phenylalanine.
Molecular consequence: missense variant.
Genome position (GRCh38, 1-based): chr1:75,745,815, A>T. VCF-style: chr1-75745815-A-T. GRCh37 (hg19) VCF-style: chr1-76211500-A-T.
Other names: c.621A>T, p.Leu207Phe (NM_001127328.3); c.501A>T, p.Leu167Phe (NM_001286042.2); c.708A>T, p.Leu236Phe (NM_001286043.2); c.42A>T, p.Leu14Phe (NM_001286044.2); short protein forms L14F, L167F, L203F, L207F, L236F.
Identifiers: ClinVar variation 4815460 (VCV004815460.1).
Genomic context (GRCh38, chr1:75,745,815, plus strand): 5'-ATGTGTTATTTGCCGATATTATCACCATTATCCGGTATGTGTATCTCTTAGGTATTTTTT[A>T]TTGGCACGTTCTGATCCAGATCCTAAAGCTCCTGCTAATAAAGCCTTTACTGGATTCATT-3'
Protein context (NP_000007.1, residues 193-213): TNGGKANWYF[Leu203Phe]LARSDPDPKA

ClinVar aggregate classification (germline): Likely pathogenic (1 of 4 stars; one submission).

Conditions:
Medium-chain acyl-coenzyme A dehydrogenase deficiency (ACADMD). Also called: MCAD Deficiency; CARNITINE DEFICIENCY SECONDARY TO MEDIUM-CHAIN ACYL-CoA DEHYDROGENASE DEFICIENCY; MCADH DEFICIENCY; ACADM DEFICIENCY; MCADD; Medium chain acyl-CoA dehydrogenase deficiency. Identifiers: Orphanet 42, MedGen C0220710, MONDO:0008721, OMIM 201450.

Submission:

Natera, Inc.
Classification: Likely pathogenic for Medium Chain Acyl-CoA Dehydrogenase Deficiency. Last evaluated: 2025-09-30. Review status: criteria provided, single submitter. Criteria: Natera Variant Classification Schema (03/2026). Collection method: clinical testing. Allele origin: germline.
Comment: The c.609A>T variant in ACADM is a missense variant predicted to cause substitution of leucine to phenylalanine at amino acid 203. This variant is rare in the general population with a frequency below the threshold expected for the associated phenotype(s). Another variant at this same site results in an alteration predicted to cause a similar molecular effect has been observed in individual(s) with the associated phenotype. Computational prediction algorithms indicate this variant is likely to affect gene or protein function. Given the available evidence, this variant is classified as Likely Pathogenic.